The following is an entry in ClinVar:

NM_001429.4(EP300):c.6569A>G (p.Gln2190Arg)

Gene: EP300 (EP300 lysine acetyltransferase; plus strand). Cytogenetic location: 22q13.2.
Variant type: single nucleotide variant.
Coding change: c.6569A>G on transcript NM_001429.4 (MANE Select); coding-DNA position 6569, A replaced by G.
Protein change: p.Gln2190Arg; replaces glutamine 2190 with arginine.
Molecular consequence: missense variant.
Genome position (GRCh38, 1-based): chr22:41,178,280, A>G. VCF-style: chr22-41178280-A-G. GRCh37 (hg19) VCF-style: chr22-41574284-A-G.
Other names: c.6491A>G, p.Gln2164Arg (NM_001362843.2); short protein forms Q2164R, Q2190R.
Identifiers: ClinVar variation 5020562 (VCV005020562.1).

ClinVar aggregate classification (germline): Uncertain significance (1 of 4 stars; one submission).

Submission:

Dasa
Classification: Uncertain significance. Last evaluated: 2026-05-15. Review status: criteria provided, single submitter. Criteria: DASA Assertion Criteria. Collection method: clinical testing. Allele origin: germline.
Comment: NM_001429.4(EP300):c.6569A>G (p.Gln2190Arg) is a missense variant that results in the substitution of glutamine with arginine. This variant is rare in population databases. The currently available literature and clinical evidence are not sufficient to establish a definitive association between this variant and the reported condition. Therefore, this variant is classified as a variant of uncertain significance.